The following is an entry in ClinVar:

NM_198576.4(AGRN):c.44C>T (p.Pro15Leu)

Gene: AGRN (agrin; plus strand). Cytogenetic location: 1p36.33.
Variant type: single nucleotide variant.
Coding change: c.44C>T on transcript NM_198576.4 (MANE Select); coding-DNA position 44, C replaced by T.
Protein change: p.Pro15Leu; replaces proline 15 with leucine.
Molecular consequence: missense variant.
Genome position (GRCh38, 1-based): chr1:1,020,216, C>T. VCF-style: chr1-1020216-C-T. GRCh37 (hg19) VCF-style: chr1-955596-C-T.
Other names: c.44C>T, p.Pro15Leu (NM_001305275.2); short protein forms P15L.
Identifiers: ClinVar variation 1425556 (VCV001425556.5), dbSNP rs764659938, ClinGen allele CA337809577.

ClinVar aggregate classification (germline): Uncertain significance (1 of 4 stars; one submission).

Conditions:
Congenital myasthenic syndrome 8. Also called: Myasthenic syndrome, congenital, 8, with pre- and postsynaptic defects; MYASTHENIC SYNDROME, CONGENITAL, DUE TO AGRIN DEFICIENCY. Identifiers: Orphanet 590, MedGen C3808739, MONDO:0014052, OMIM 615120.

gnomAD v4.1: 3 of 1,396,032 alleles (0.00021%); highest among the groups gnomAD compares: Admixed American, 0.0062%; no homozygotes.

Submission:

Labcorp Genetics (formerly Invitae), Labcorp
Classification: Uncertain significance for Congenital myasthenic syndrome 8. Last evaluated: 2021-08-31. Review status: criteria provided, single submitter. Criteria: Invitae Variant Classification Sherloc (09022015). Collection method: clinical testing. Allele origin: germline.
Comment: This sequence change replaces proline with leucine at codon 15 of the AGRN protein (p.Pro15Leu). The proline residue is weakly conserved and there is a moderate physicochemical difference between proline and leucine. The frequency data for this variant in the population databases is considered unreliable, as metrics indicate insufficient coverage at this position in the ExAC database. This variant has not been reported in the literature in individuals affected with AGRN-related conditions. Algorithms developed to predict the effect of missense changes on protein structure and function output the following: SIFT: "Tolerated"; PolyPhen-2: "Not Available"; Align-GVGD: "Class C0". The leucine amino acid residue is found in multiple mammalian species, which suggests that this missense change does not adversely affect protein function. In summary, the available evidence is currently insufficient to determine the role of this variant in disease. Therefore, it has been classified as a Variant of Uncertain Significance.